The following is an entry in ClinVar:

NM_001008537.3(NEXMIF):c.755C>T (p.Ala252Val)

Gene: NEXMIF (neurite extension and migration factor; minus strand). Cytogenetic location: Xq13.3.
Variant type: single nucleotide variant.
Coding change: c.755C>T on transcript NM_001008537.3 (MANE Select); coding-DNA position 755, C replaced by T.
Protein change: p.Ala252Val; replaces alanine 252 with valine.
Molecular consequence: missense variant.
Genome position (GRCh38, 1-based): chrX:74,743,802, G>A on the plus strand (C>T on the coding strand, the complement: NEXMIF is on the minus strand). VCF-style: chrX-74743802-G-A. GRCh37 (hg19) VCF-style: chrX-73963637-G-A.
Other names: short protein forms A252V.
Identifiers: ClinVar variation 3019929 (VCV003019929.3), dbSNP rs2519916243, ClinGen allele CA413672604.

ClinVar aggregate classification (germline): Uncertain significance (1 of 4 stars; one submission).

Submission:

Labcorp Genetics (formerly Invitae), Labcorp
Classification: Uncertain significance. Last evaluated: 2024-04-18. Review status: criteria provided, single submitter. Criteria: Invitae Variant Classification Sherloc (09022015). Collection method: clinical testing. Allele origin: germline.
Comment: This sequence change replaces alanine, which is neutral and non-polar, with valine, which is neutral and non-polar, at codon 252 of the NEXMIF protein (p.Ala252Val). This variant is not present in population databases (gnomAD no frequency). This variant has not been reported in the literature in individuals affected with NEXMIF-related conditions. An algorithm developed to predict the effect of missense changes on protein structure and function (PolyPhen-2) suggests that this variant is likely to be disruptive. In summary, the available evidence is currently insufficient to determine the role of this variant in disease. Therefore, it has been classified as a Variant of Uncertain Significance.